The following is an entry in ClinVar:

NM_000038.6(APC):c.824G>T (p.Gly275Val)

Gene: APC (APC regulator of Wnt signaling pathway; plus strand). Cytogenetic location: 5q22.2.
Variant type: single nucleotide variant.
Coding change: c.824G>T on transcript NM_000038.6 (MANE Select); coding-DNA position 824, G replaced by T.
Protein change: p.Gly275Val; replaces glycine 275 with valine.
Molecular consequence: missense variant. On other transcripts: 5 prime UTR variant (4), non-coding transcript variant (2).
Genome position (GRCh38, 1-based): chr5:112,801,373, G>T. VCF-style: chr5-112801373-G-T. GRCh37 (hg19) VCF-style: chr5-112137070-G-T.
Other names: c.824G>T, p.Gly275Val (NM_001127510.3, NM_001354895.2, NM_001354896.2 and 12 more transcripts); c.770G>T, p.Gly257Val (NM_001127511.3); c.854G>T, p.Gly285Val (NM_001354897.2, NM_001354902.2, NM_001407446.1); c.749G>T, p.Gly250Val (NM_001354898.2, NM_001354904.2, NM_001407451.1); c.740G>T, p.Gly247Val (NM_001354899.2, NM_001407452.1, NM_001407467.1 and 1 more transcripts); c.647G>T, p.Gly216Val (NM_001354900.2, NM_001354901.2, NM_001354905.2 and 1 more transcripts); c.-212G>T (NM_001354906.2, NM_001407470.1, NM_001407471.1 and 1 more transcripts); short protein forms G250V, G216V, G285V, G275V, G247V, G257V.
Identifiers: ClinVar variation 3411036 (VCV003411036.1).

ClinVar aggregate classification (germline): Uncertain significance (1 of 4 stars; one submission).

Conditions:
Hereditary cancer-predisposing syndrome. Also called: Neoplastic Syndromes, Hereditary; Tumor predisposition; Hereditary Cancer Syndrome; Hereditary neoplastic syndrome. Identifiers: Orphanet 140162, MedGen C0027672, MeSH D009386, MONDO:0015356.

Submission:

Ambry Genetics
Classification: Uncertain significance for Hereditary cancer-predisposing syndrome. Last evaluated: 2024-09-30. Review status: criteria provided, single submitter. Criteria: Ambry Variant Classification Scheme 2023. Collection method: clinical testing. Allele origin: germline.
Comment: The p.G275V variant (also known as c.824G>T), located in coding exon 7 of the APC gene, results from a G to T substitution at nucleotide position 824. The glycine at codon 275 is replaced by valine, an amino acid with dissimilar properties. This amino acid position is well conserved in available vertebrate species. In addition, in silico predictors for this gene do not accurately predict pathogenicity. Missense alterations in APC are not a common cause of disease (Spier I et al. Genet Med. 2024 Feb;26(2):100992). Based on the available evidence, the clinical significance of this variant remains unclear.